The following is an entry in ClinVar:

ClinVar aggregate classification (germline): Likely benign. Review status: criteria provided, multiple submitters, no conflicts (2 of 4 stars). 3 submissions from 3 submitters: Likely benign (3). Last evaluated 2024-08-27.

Conditions:
Familial hypercholesterolemia. Also called: Familial hypercholesterolaemia; Familial hypercholesterolemias. Identifiers: MedGen C0020445, MONDO:0005439.
Hypercholesterolemia, autosomal dominant, 3 (FHCL3). Also called: Familial hypercholesterolemia 3; Familial Hypercholesterolemia, Autosomal Dominant, 3; PCSK9-Related Familial Hypercholesterolemia, Autosomal Dominant. Identifiers: MedGen C1863551, MONDO:0011369, OMIM 603776.

Allele frequency attached by ClinVar (database versions not stated): gnomAD exomes below 0.00001.
gnomAD v4.1: 2 of 1,613,094 alleles (0.00012%); highest among the groups gnomAD compares: Middle Eastern, 0.017%; no homozygotes.

Submissions (3):

Labcorp Genetics (formerly Invitae), Labcorp
Classification: Likely benign for Hypercholesterolemia, autosomal dominant, 3. Last evaluated: 2024-08-27. Review status: criteria provided, single submitter. Criteria: Invitae Variant Classification Sherloc (09022015). Collection method: clinical testing. Allele origin: germline.

All of Us Research Program, National Institutes of Health
Classification: Likely benign for Hypercholesterolemia, autosomal dominant, 3. Last evaluated: 2023-06-28. Review status: criteria provided, single submitter. Criteria: ACMG Guidelines, 2015. Collection method: clinical testing. Allele origin: germline. Inheritance: Autosomal dominant inheritance. Observed: 1 variant allele, 1 heterozygote.
Comment: This study involves interpretation of variants in research participants for the purpose of population health screening. Participant phenotype was not available at the time of variant classification. Additional details can be found in publication PMID: 35346344, PMCID: PMC8962531

Color Diagnostics, LLC DBA Color Health
Classification: Likely benign for Familial hypercholesterolemia. Last evaluated: 2020-07-20. Review status: criteria provided, single submitter. Criteria: ACMG Guidelines, 2015. Collection method: clinical testing. Allele origin: germline.

NM_174936.4(PCSK9):c.1335C>T (p.Pro445=)

Gene: PCSK9 (proprotein convertase subtilisin/kexin type 9; plus strand). Cytogenetic location: 1p32.3.
Variant type: single nucleotide variant.
Coding change: c.1335C>T on transcript NM_174936.4 (MANE Select); coding-DNA position 1335, C replaced by T.
Protein change: p.Pro445=; no amino-acid change (proline 445 retained).
Molecular consequence: synonymous variant.
Genome position (GRCh38, 1-based): chr1:55,058,190, C>T. VCF-style: chr1-55058190-C-T. GRCh37 (hg19) VCF-style: chr1-55523863-C-T.
Identifiers: ClinVar variation 1171480 (VCV001171480.6), dbSNP rs1200168752, ClinGen allele CA417960231.
Genomic context (GRCh38, chr1:55,058,190, plus strand): 5'-TGAGGCCTGGTTCCCTGAGGACCAGCGGGTACTGACCCCCAACCTGGTGGCCGCCCTGCC[C>T]CCCAGCACCCATGGGGCAGGTAAGCAGGATGGCAGGGTGGGCAAGTCCAGGCTGGGGCTT-3'
Protein context (NP_777596.2, residues 435-455): VLTPNLVAAL[Pro445=]PSTHGAGWQL